The following is an entry in ClinVar:

ClinVar aggregate classification (germline): Benign (0 of 4 stars; one submission).

Conditions:
ACTN3-related disorder. Also called: ACTN3-related condition.

Allele frequency attached by ClinVar (database versions not stated): TOPMed 0.15562; ESP Exome Variant Server 0.15643; 1000 Genomes Project 30x 0.16162; 1000 Genomes Project 0.16274.
gnomAD v4.1: 280,864 of 1,600,474 alleles (18%); highest among the groups gnomAD compares: Non-Finnish European, 18%; 25,290 homozygotes.

Submission:

PreventionGenetics, part of Exact Sciences
Classification: Benign for ACTN3-related condition. Last evaluated: 2019-11-12. Review status: no assertion criteria provided. Collection method: clinical testing. Allele origin: germline.
Comment: This variant is classified as benign based on ACMG/AMP sequence variant interpretation guidelines (Richards et al. 2015 PMID: 25741868, with internal and published modifications).

NM_001104.4(ACTN3):c.1904A>C (p.Glu635Ala)

Gene: ACTN3 (actinin alpha 3; plus strand). Cytogenetic location: 11q13.2.
Variant type: single nucleotide variant.
Coding change: c.1904A>C on transcript NM_001104.4 (MANE Select); coding-DNA position 1904, A replaced by C.
Protein change: p.Glu635Ala; replaces glutamic acid 635 with alanine.
Molecular consequence: missense variant.
Genome position (GRCh38, 1-based): chr11:66,561,270, A>C. VCF-style: chr11-66561270-A-C. GRCh37 (hg19) VCF-style: chr11-66328741-A-C.
Other names: c.2033A>C, p.Glu678Ala (NM_001258371.3); short protein forms E635A, E678A.
Identifiers: ClinVar variation 3056781 (VCV003056781.2), dbSNP rs2229456, ClinGen allele CA6124884.